The following is an entry in ClinVar:

ClinVar aggregate classification (germline): Uncertain significance (1 of 4 stars; one submission).

Conditions:
Hypertrophic cardiomyopathy. Also called: HYPERTROPHIC MYOCARDIOPATHY. Identifiers: Orphanet 217569, MedGen C0007194, MeSH D002312, MONDO:0005045, HP:0001639.

Allele frequency attached by ClinVar (database versions not stated): gnomAD exomes below 0.00001.
gnomAD v4.1: 7 of 1,614,226 alleles (0.00043%); highest among the groups gnomAD compares: Non-Finnish European, 0.00059%; no homozygotes.

Submission:

Labcorp Genetics (formerly Invitae), Labcorp
Classification: Uncertain significance for Hypertrophic cardiomyopathy. Last evaluated: 2024-01-15. Review status: criteria provided, single submitter. Criteria: Invitae Variant Classification Sherloc (09022015). Collection method: clinical testing. Allele origin: germline.
Comment: This sequence change replaces serine, which is neutral and polar, with threonine, which is neutral and polar, at codon 252 of the TPM1 protein (p.Ser252Thr). This variant is not present in population databases (gnomAD no frequency). This variant has not been reported in the literature in individuals affected with TPM1-related conditions. ClinVar contains an entry for this variant (Variation ID: 1026255). An algorithm developed to predict the effect of missense changes on protein structure and function (PolyPhen-2) suggests that this variant is likely to be disruptive. In summary, the available evidence is currently insufficient to determine the role of this variant in disease. Therefore, it has been classified as a Variant of Uncertain Significance.

NM_001018005.2(TPM1):c.755G>C (p.Ser252Thr)

Gene: TPM1 (tropomyosin 1; plus strand). Cytogenetic location: 15q22.2.
Variant type: single nucleotide variant.
Coding change: c.755G>C on transcript NM_001018005.2 (MANE Select); coding-DNA position 755, G replaced by C.
Protein change: p.Ser252Thr; replaces serine 252 with threonine.
Molecular consequence: missense variant.
Genome position (GRCh38, 1-based): chr15:63,062,628, G>C. VCF-style: chr15-63062628-G-C. GRCh37 (hg19) VCF-style: chr15-63354827-G-C.
Other names: c.755G>C, p.Ser252Thr (NM_000366.6, NM_001018004.2, NM_001018006.2 and 6 more transcripts); c.647G>C, p.Ser216Thr (NM_001018008.2, NM_001301289.2, NM_001330344.2 and 5 more transcripts); c.881G>C, p.Ser294Thr (NM_001365778.1); short protein forms S216T, S252T, S294T.
Identifiers: ClinVar variation 1026255 (VCV001026255.10), dbSNP rs1375629623, ClinGen allele CA392724647.